The following is an entry in ClinVar:

ClinVar aggregate classification (germline): Conflicting classifications of pathogenicity. Review status: criteria provided, conflicting classifications (1 of 4 stars). 2 submissions from 2 submitters: Uncertain significance (1); Likely benign (1). Last evaluated 2026-06-05.

Conditions:
Hereditary cancer-predisposing syndrome. Also called: Neoplastic Syndromes, Hereditary; Hereditary Cancer Syndrome; Hereditary neoplastic syndrome; Tumor predisposition. Identifiers: Orphanet 140162, MedGen C0027672, MeSH D009386, MONDO:0015356.
Gastrointestinal stromal tumor. Also called: Gastrointestinal stromal tumor, somatic; Gastrointestinal stroma tumor. Identifiers: Orphanet 44890, MedGen C0238198, MeSH D046152, MONDO:0011719, OMIM 606764, HP:0100723.

Allele frequency attached by ClinVar (database versions not stated): gnomAD exomes below 0.00001.
gnomAD v4.1: 1 of 1,579,890 alleles (0.000063%); highest among the groups gnomAD compares: Non-Finnish European, 0.000087%; no homozygotes.

Submissions (2):

Ambry Genetics
Classification: Uncertain significance for Hereditary cancer-predisposing syndrome. Last evaluated: 2026-06-05. Review status: criteria provided, single submitter. Criteria: Ambry Variant Classification Scheme 2023. Collection method: clinical testing. Allele origin: germline.
Comment: The c.972T>C variant (also known as p.F324F), located in coding exon 6 of the KIT gene, results from a T to C substitution at nucleotide position 972. This nucleotide substitution does not change the amino acid at codon 324. This nucleotide position is well conserved in available vertebrate species. In silico splice site analysis for this alteration is inconclusive. Based on the available evidence, the clinical significance of this variant remains unclear.

Labcorp Genetics (formerly Invitae), Labcorp
Classification: Likely benign for Gastrointestinal stromal tumor. Last evaluated: 2023-10-05. Review status: criteria provided, single submitter. Criteria: Invitae Variant Classification Sherloc (09022015). Collection method: clinical testing. Allele origin: germline.

NM_000222.3(KIT):c.972T>C (p.Phe324=)

Gene: KIT (KIT proto-oncogene, receptor tyrosine kinase; plus strand). Cytogenetic location: 4q12.
Variant type: single nucleotide variant.
Coding change: c.972T>C on transcript NM_000222.3 (MANE Select); coding-DNA position 972, T replaced by C.
Protein change: p.Phe324=; no amino-acid change (phenylalanine 324 retained).
Molecular consequence: synonymous variant.
Genome position (GRCh38, 1-based): chr4:54,707,144, T>C. VCF-style: chr4-54707144-T-C. GRCh37 (hg19) VCF-style: chr4-55573310-T-C.
Other names: c.972T>C, p.Phe324= (NM_001093772.2, NM_001385285.1, NM_001385286.1); c.975T>C, p.Phe325= (NM_001385284.1, NM_001385288.1, NM_001385290.1 and 1 more transcripts).
Identifiers: ClinVar variation 3012763 (VCV003012763.4), dbSNP rs2475478584, ClinGen allele CA439288592.